The following is an entry in ClinVar:

ClinVar aggregate classification (germline): Uncertain significance (1 of 4 stars; one submission).

Conditions:
Malignant hyperthermia, susceptibility to, 1 (MHS1). Also called: RYR1-Related Malignant Hyperthermia Susceptibility; Malignant hyperthermia suceptibility 1; Anesthesia related hyperthermia; Malignant hyperpyrexia; Fulminating hyperpyrexia; Pharmacogenic myopathy. Identifiers: Orphanet 423, MedGen C2930980, MONDO:0007783, OMIM 145600.

Submission:

Color Diagnostics, LLC DBA Color Health
Classification: Uncertain significance for Malignant hyperthermia, susceptibility to, 1. Last evaluated: 2025-05-20. Review status: criteria provided, single submitter. Criteria: ACMG Guidelines, 2015. Collection method: clinical testing. Allele origin: germline.
Comment: This missense variant replaces threonine with serine at codon 891 of the RYR1 protein. Computational prediction is inconclusive regarding the impact of this variant on protein structure and function. To our knowledge, functional studies have not been reported for this variant. This variant has not been reported in individuals affected with RYR1-related disorders in the literature. This variant has not been identified in the general population by the Genome Aggregation Database (gnomAD). The available evidence is insufficient to determine the role of this variant in disease conclusively. Therefore, this variant is classified as a Variant of Uncertain Significance.

NM_000540.3(RYR1):c.2672C>G (p.Thr891Ser)

Gene: RYR1 (ryanodine receptor 1; plus strand). Cytogenetic location: 19q13.2.
Variant type: single nucleotide variant.
Coding change: c.2672C>G on transcript NM_000540.3 (MANE Select); coding-DNA position 2672, C replaced by G.
Protein change: p.Thr891Ser; replaces threonine 891 with serine.
Molecular consequence: missense variant.
Genome position (GRCh38, 1-based): chr19:38,463,517, C>G. VCF-style: chr19-38463517-C-G. GRCh37 (hg19) VCF-style: chr19-38954157-C-G.
Other names: c.2672C>G, p.Thr891Ser (NM_001042723.2); short protein forms T891S.
Identifiers: ClinVar variation 4758754 (VCV004758754.1).